The following is an entry in ClinVar:

ClinVar aggregate classification (germline): Conflicting classifications of pathogenicity. Review status: criteria provided, conflicting classifications (1 of 4 stars). 2 submissions from 2 submitters: Uncertain significance (1); Likely benign (1). Last evaluated 2022-08-31.

Conditions:
Osteogenesis imperfecta type I (OI1). Also called: Classic Non-deforming Osteogenesis Imperfecta with Blue Sclerae; Osteogenesis imperfecta type 1; OI, TYPE I; OSTEOGENESIS IMPERFECTA TARDA; OSTEOGENESIS IMPERFECTA WITH BLUE SCLERAE; Lobstein's Disease. Identifiers: Orphanet 216796, Orphanet 666, MedGen C0023931, MONDO:0008146, OMIM 166200. Disease mechanism: loss of function.

Allele frequency attached by ClinVar (database versions not stated): TOPMed below 0.00001; gnomAD 0.00001; gnomAD exomes 0.00004; ExAC 0.00006.
gnomAD v4.1: 24 of 1,600,192 alleles (0.0015%); highest among the groups gnomAD compares: East Asian, 0.031%; no homozygotes.

Submissions (2):

Labcorp Genetics (formerly Invitae), Labcorp
Classification: Likely benign for Osteogenesis imperfecta type I. Last evaluated: 2022-08-31. Review status: criteria provided, single submitter. Criteria: Invitae Variant Classification Sherloc (09022015). Collection method: clinical testing. Allele origin: germline.

GeneDx
Classification: Uncertain significance. Last evaluated: 2019-10-01. Review status: criteria provided, single submitter. Criteria: GeneDx Variant Classification Process June 2021. Collection method: clinical testing. Allele origin: germline. Affected: yes.
Comment: Has not been previously published as pathogenic or benign to our knowledge; In silico analysis, which includes protein predictors and evolutionary conservation, supports a deleterious effect; Occurs in the triple helical domain at the Y position in the canonical Gly-X-Y repeat; although this variant may have an effect on normal protein folding and function, missense substitution at the Y position is not a common mechanism of disease (Stenson et al., 2014)

NM_000088.4(COL1A1):c.2090G>A (p.Arg697Gln)

Gene: COL1A1 (collagen type I alpha 1 chain; minus strand). Cytogenetic location: 17q21.33.
Variant type: single nucleotide variant.
Coding change: c.2090G>A on transcript NM_000088.4 (MANE Select); coding-DNA position 2090, G replaced by A.
Protein change: p.Arg697Gln; replaces arginine 697 with glutamine.
Molecular consequence: missense variant.
Genome position (GRCh38, 1-based): chr17:50,191,825, C>T on the plus strand (G>A on the coding strand, the complement: COL1A1 is on the minus strand). VCF-style: chr17-50191825-C-T. GRCh37 (hg19) VCF-style: chr17-48269186-C-T.
Other names: short protein forms R697Q.
Identifiers: ClinVar variation 1308973 (VCV001308973.10), dbSNP rs202221716, ClinGen allele CA8644938.
Genomic context (GRCh38, chr17:50,191,825, plus strand): 5'-AGCCCCTTCCACGCTGCCCTCACCTTAGCACCATCGTTGCCGGGAGCACCGTTGGCCCCT[C>T]GGGGACCAGCAGGACCAGGGGGACCTTGCACACCACGCTCGCCAGGGAAACCTCTCTCGC-3'
Protein context (NP_000079.2, residues 687-707): VQGPPGPAGP[Arg697Gln]GANGAPGNDG